The following is an entry in ClinVar:

ClinVar aggregate classification (germline): Likely pathogenic (1 of 4 stars; one submission).

Conditions:
Epidermolysis bullosa simplex 5B, with muscular dystrophy (EBS5B). Also called: EPIDERMOLYSIS BULLOSA SIMPLEX AND LIMB-GIRDLE MUSCULAR DYSTROPHY; Epidermolysis bullosa simplex with muscular dystrophy. Identifiers: Orphanet 257, MedGen C2931072, MONDO:0009181, OMIM 226670.
Epidermolysis bullosa simplex, Ogna type (EBS5A). Also called: Pidermolysis bullosa simplex 5A, Ogna type; EPIDERMOLYSIS BULLOSA SIMPLEX 5A, OGNA TYPE. Identifiers: Orphanet 79401, MedGen C0432317, MONDO:0007555, OMIM 131950.
Epidermolysis bullosa simplex 5C, with pyloric atresia (EBS5C). Also called: PLEC-Related Epidermolysis Bullosa with Pyloric Atresia; Epidermolysis bullosa simplex with pyloric atresia; PLEC1-Related Epidermolysis Bullosa with Pyloric Atresia. Identifiers: Orphanet 158684, MedGen C2677349, MONDO:0012807, OMIM 612138.
Autosomal recessive limb-girdle muscular dystrophy type 2Q (LGMDR17). Also called: MUSCULAR DYSTROPHY, LIMB-GIRDLE, AUTOSOMAL RECESSIVE 17. Identifiers: Orphanet 254361, MedGen C3150989, MONDO:0013390, OMIM 613723.
Epidermolysis bullosa simplex with nail dystrophy (EBS5D). Identifiers: MedGen C4225309, MONDO:0014661, OMIM 616487.

Submission:

Labcorp Genetics (formerly Invitae), Labcorp
Classification: Likely pathogenic for Autosomal recessive limb-girdle muscular dystrophy type 2Q; Epidermolysis bullosa simplex, Ogna type; Epidermolysis bullosa simplex with nail dystrophy; Epidermolysis bullosa simplex 5C, with pyloric atresia; Epidermolysis bullosa simplex 5B, with muscular dystrophy. Last evaluated: 2022-03-18. Review status: criteria provided, single submitter. Criteria: Invitae Variant Classification Sherloc (09022015). Collection method: clinical testing. Allele origin: germline.
Comment: In summary, the currently available evidence indicates that the variant is pathogenic, but additional data are needed to prove that conclusively. Therefore, this variant has been classified as Likely Pathogenic. Algorithms developed to predict the effect of sequence changes on RNA splicing suggest that this variant may disrupt the consensus splice site. This variant has not been reported in the literature in individuals affected with PLEC-related conditions. This sequence change affects an acceptor splice site in intron 9 of the PLEC gene. It is expected to disrupt RNA splicing. Variants that disrupt the donor or acceptor splice site typically lead to a loss of protein function (PMID: 16199547), and loss-of-function variants in PLEC are known to be pathogenic (PMID: 20301336, 20447487, 21109228, 23289980, 28824526). This variant is not present in population databases (gnomAD no frequency).

Literature cited by the submitters: PubMed 16199547; PubMed 20301336; PubMed 20447487; PubMed 21109228; PubMed 23289980; PubMed 28824526.

NM_201384.3(PLEC):c.826-1G>A

Gene: PLEC (plectin; minus strand). Cytogenetic location: 8q24.3.
Variant type: single nucleotide variant.
Coding change: c.826-1G>A on transcript NM_201384.3 (MANE Select); the canonical splice acceptor site of the intron before coding-DNA position 826, G replaced by A.
Molecular consequence: splice acceptor variant.
Genome position (GRCh38, 1-based): chr8:143,934,930, C>T on the plus strand (G>A on the coding strand, the complement: PLEC is on the minus strand). VCF-style: chr8-143934930-C-T. GRCh37 (hg19) VCF-style: chr8-145009098-C-T.
Other names: c.907-1G>A (NM_001410941.1, NM_000445.5); c.784-1G>A (NM_201378.4); c.760-1G>A (NM_201379.3); c.1237-1G>A (NM_201380.4); c.730-1G>A (NM_201381.3); c.826-1G>A (NM_201382.4); c.838-1G>A (NM_201383.3).
Identifiers: ClinVar variation 2147243 (VCV002147243.4), dbSNP rs1828572665, ClinGen allele CA372586856.